The following is an entry in ClinVar:

NM_144687.4(NLRP12):c.943G>A (p.Glu315Lys)

Gene: NLRP12 (NLR family pyrin domain containing 12; minus strand). Cytogenetic location: 19q13.42.
Variant type: single nucleotide variant.
Coding change: c.943G>A on transcript NM_144687.4 (MANE Select); coding-DNA position 943, G replaced by A.
Protein change: p.Glu315Lys; replaces glutamic acid 315 with lysine.
Molecular consequence: missense variant.
Genome position (GRCh38, 1-based): chr19:53,810,716, C>T on the plus strand (G>A on the coding strand, the complement: NLRP12 is on the minus strand). VCF-style: chr19-53810716-C-T. GRCh37 (hg19) VCF-style: chr19-54313970-C-T.
Other names: c.943G>A, p.Glu315Lys (NM_001277126.2, NM_001277129.1); short protein forms E315K.
Identifiers: ClinVar variation 1054306 (VCV001054306.8), dbSNP rs766680396, ClinGen allele CA9639567.

ClinVar aggregate classification (germline): Uncertain significance. Review status: criteria provided, multiple submitters, no conflicts (2 of 4 stars). 2 submissions from 2 submitters: Uncertain significance (2). Last evaluated 2025-12-02.

Conditions:
Familial cold autoinflammatory syndrome 2 (FCAS2). Identifiers: Orphanet 247868, MedGen C2673198, MONDO:0012724, OMIM 611762.

Allele frequency attached by ClinVar (database versions not stated): gnomAD 0.00001 and 0.00002; TOPMed 0.00001.
gnomAD v4.1: 20 of 1,613,994 alleles (0.0012%); highest among the groups gnomAD compares: Middle Eastern, 0.016%; no homozygotes.

Submissions (2):

Women's Health and Genetics/Laboratory Corporation of America, LabCorp
Classification: Uncertain significance. Last evaluated: 2025-12-02. Review status: criteria provided, single submitter. Criteria: LabCorp Variant Classification Summary - May 2015. Collection method: clinical testing. Allele origin: germline.
Comment: Variant summary: NLRP12 c.943G>A (p.Glu315Lys) results in a conservative amino acid change in the encoded protein sequence. Algorithms developed to predict the effect of missense changes on protein structure and function all suggest that this variant is likely to be tolerated. The variant allele was found at a frequency of 4e-06 in 251304 control chromosomes. The available data on variant occurrences in the general population are insufficient to allow any conclusion about variant significance. c.943G>A has been observed in an individual affected with Familial cold autoinflammatory syndrome 2 without strong evidence for causality (Yun_2023). These report(s) do not provide unequivocal conclusions about association of the variant with Familial cold autoinflammatory syndrome 2. To our knowledge, no experimental evidence demonstrating an impact on protein function has been reported. The following publication have been ascertained in the context of this evaluation (PMID: 38343435). ClinVar contains an entry for this variant (Variation ID: 1054306). Based on the evidence outlined above, the variant was classified as uncertain significance.

Labcorp Genetics (formerly Invitae), Labcorp
Classification: Uncertain significance for Familial cold autoinflammatory syndrome 2. Last evaluated: 2025-07-30. Review status: criteria provided, single submitter. Criteria: Invitae Variant Classification Sherloc (09022015). Collection method: clinical testing. Allele origin: germline.
Comment: This sequence change replaces glutamic acid, which is acidic and polar, with lysine, which is basic and polar, at codon 315 of the NLRP12 protein (p.Glu315Lys). This variant is present in population databases (rs766680396, gnomAD 0.003%). This missense change has been observed in individual(s) with familial cold autoinflammatory syndrome (PMID: 38343435). ClinVar contains an entry for this variant (Variation ID: 1054306). Invitae Evidence Modeling of protein sequence and biophysical properties (such as structural, functional, and spatial information, amino acid conservation, physicochemical variation, residue mobility, and thermodynamic stability) indicates that this missense variant is not expected to disrupt NLRP12 protein function with a negative predictive value of 80%. In summary, the available evidence is currently insufficient to determine the role of this variant in disease. Therefore, it has been classified as a Variant of Uncertain Significance.

Literature cited by the submitters: PubMed 38343435 (cited by Women's Health and Genetics/Laboratory Corporation of America, LabCorp and Labcorp Genetics (formerly Invitae), Labcorp).